The following is an entry in ClinVar:

NM_020442.6(VARS2):c.906G>T (p.Gln302His)

Gene: VARS2 (valyl-tRNA synthetase 2, mitochondrial; plus strand). Cytogenetic location: 6p21.33.
Variant type: single nucleotide variant.
Coding change: c.906G>T on transcript NM_020442.6 (MANE Select); coding-DNA position 906, G replaced by T.
Protein change: p.Gln302His; replaces glutamine 302 with histidine.
Molecular consequence: missense variant.
Genome position (GRCh38, 1-based): chr6:30,917,727, G>T. VCF-style: chr6-30917727-G-T. GRCh37 (hg19) VCF-style: chr6-30885504-G-T.
Other names: c.486G>T, p.Gln162His (NM_001167733.3); c.996G>T, p.Gln332His (NM_001167734.2); c.996G>T (NM_001167734.1); short protein forms Q162H, Q302H, Q332H.
Identifiers: ClinVar variation 1970321 (VCV001970321.6), dbSNP rs1299638864, ClinGen allele CA363169751.
Genomic context (GRCh38, chr6:30,917,727, plus strand): 5'-TCTGACCCAGCTTTCTCGGTGCCTCCAGGTGGAGAACCGGCCCCTGCCTGGCCACACACA[G>T]CTTCGACTGCCTGGCTGCCCCACCCCCGTGTCTTTTGGCCTCCTATTTTCTGTTGCCTTC-3'
Protein context (NP_065175.4, residues 292-312): VENRPLPGHT[Gln302His]LRLPGCPTPV

ClinVar aggregate classification (germline): Uncertain significance. Review status: criteria provided, multiple submitters, no conflicts (2 of 4 stars). 2 submissions from 2 submitters: Uncertain significance (2). Last evaluated 2026-01-05.

Allele frequency attached by ClinVar (database versions not stated): gnomAD exomes below 0.00001; TOPMed below 0.00001.
gnomAD v4.1: 4 of 1,566,936 alleles (0.00026%); highest among the groups gnomAD compares: Non-Finnish European, 0.00035%; no homozygotes.

Submissions (2):

Labcorp Genetics (formerly Invitae), Labcorp
Classification: Uncertain significance. Last evaluated: 2026-01-05. Review status: criteria provided, single submitter. Criteria: Invitae Variant Classification Sherloc (09022015). Collection method: clinical testing. Allele origin: germline.
Comment: This sequence change replaces glutamine, which is neutral and polar, with histidine, which is basic and polar, at codon 332 of the VARS2 protein (p.Gln332His). This variant is not present in population databases (gnomAD no frequency). This variant has not been reported in the literature in individuals affected with VARS2-related conditions. ClinVar contains an entry for this variant (Variation ID: 1970321). Invitae Evidence Modeling of protein sequence and biophysical properties (such as structural, functional, and spatial information, amino acid conservation, physicochemical variation, residue mobility, and thermodynamic stability) indicates that this missense variant is not expected to disrupt VARS2 protein function with a negative predictive value of 80%. In summary, the available evidence is currently insufficient to determine the role of this variant in disease. Therefore, it has been classified as a Variant of Uncertain Significance.

GeneDx
Classification: Uncertain significance. Last evaluated: 2025-05-27. Review status: criteria provided, single submitter. Criteria: GeneDx Variant Classification Process June 2021. Collection method: clinical testing. Allele origin: germline. Affected: yes.
Comment: Not observed at significant frequency in large population cohorts (gnomAD); In silico analysis suggests that this missense variant does not alter protein structure/function; Has not been previously published as pathogenic or benign to our knowledge